The following is an entry in ClinVar:

NM_177400.3(NKX6-2):c.659C>G (p.Ser220Trp)

Gene: NKX6-2 (NK6 homeobox 2; minus strand). Cytogenetic location: 10q26.3.
Variant type: single nucleotide variant.
Coding change: c.659C>G on transcript NM_177400.3 (MANE Select); coding-DNA position 659, C replaced by G.
Protein change: p.Ser220Trp; replaces serine 220 with tryptophan.
Molecular consequence: missense variant.
Genome position (GRCh38, 1-based): chr10:132,785,091, G>C on the plus strand (C>G on the coding strand, the complement: NKX6-2 is on the minus strand). VCF-style: chr10-132785091-G-C. GRCh37 (hg19) VCF-style: chr10-134598595-G-C.
Other names: short protein forms S220W.
Identifiers: ClinVar variation 1298500 (VCV001298500.39), dbSNP rs1475821768, ClinGen allele CA378768961.

ClinVar aggregate classification (germline): Uncertain significance. Review status: criteria provided, multiple submitters, no conflicts (2 of 4 stars). 2 submissions from 2 submitters: Uncertain significance (2). Last evaluated 2022-02-18.

Submissions (2):

Labcorp Genetics (formerly Invitae), Labcorp
Classification: Uncertain significance. Last evaluated: 2022-02-18. Review status: criteria provided, single submitter. Criteria: Invitae Variant Classification Sherloc (09022015). Collection method: clinical testing. Allele origin: germline.
Comment: This variant has not been reported in the literature in individuals affected with NKX6-2-related conditions. This variant is not present in population databases (gnomAD no frequency). This sequence change replaces serine, which is neutral and polar, with tryptophan, which is neutral and slightly polar, at codon 220 of the NKX6-2 protein (p.Ser220Trp). ClinVar contains an entry for this variant (Variation ID: 1298500). In summary, the available evidence is currently insufficient to determine the role of this variant in disease. Therefore, it has been classified as a Variant of Uncertain Significance. Algorithms developed to predict the effect of missense changes on protein structure and function are either unavailable or do not agree on the potential impact of this missense change (SIFT: "Deleterious"; PolyPhen-2: "Probably Damaging"; Align-GVGD: "Class C15").

CeGaT Center for Human Genetics Tuebingen
Classification: Uncertain significance. Last evaluated: 2021-09-01. Review status: criteria provided, single submitter. Criteria: CeGaT Center For Human Genetics Tuebingen Variant Classification Criteria Version 2. Collection method: clinical testing. Allele origin: germline. Affected: yes. Observed: 1 variant allele.